The following is an entry in ClinVar:

ClinVar aggregate classification (germline): Conflicting classifications of pathogenicity. Review status: criteria provided, conflicting classifications (1 of 4 stars). 2 submissions from 1 submitter: Uncertain significance (1); Likely benign (1). Last evaluated 2018-01-12.

Conditions:
Emery-Dreifuss muscular dystrophy 4, autosomal dominant (EDMD4). Also called: EMERY-DREIFUSS MUSCULAR DYSTROPHY 4 WITH VARIABLE FEATURES. Identifiers: Orphanet 261, MedGen C2751807, MONDO:0013071, OMIM 612998.
Autosomal recessive ataxia, Beauce type. Also called: ATAXIA, RECESSIVE, OF BEAUCE; SYNE1 Deficiency; SYNE1-Related Autosomal Recessive Cerebellar Ataxia; Spinocerebellar ataxia, autosomal recessive 8. Identifiers: Orphanet 88644, MedGen C1853116, MONDO:0012549, OMIM 610743.

Allele frequency attached by ClinVar (database versions not stated): gnomAD 0.00001; gnomAD exomes 0.00001; ExAC 0.00002; TOPMed 0.00002; ESP Exome Variant Server 0.00008.
gnomAD v4.1: 18 of 1,613,904 alleles (0.0011%); highest among the groups gnomAD compares: Middle Eastern, 0.017%; no homozygotes.

Submissions (2):

Illumina Laboratory Services, Illumina
Classification: Likely benign for Emery-Dreifuss muscular dystrophy 4, autosomal dominant. Last evaluated: 2018-01-12. Review status: criteria provided, single submitter. Criteria: ICSL Variant Classification Criteria 13 December 2019. Collection method: clinical testing. Allele origin: germline.
Comment: This variant was observed in the ICSL laboratory as part of a predisposition screen in an ostensibly healthy population. It had not been previously curated by ICSL or reported in the Human Gene Mutation Database (HGMD: prior to June 1st, 2018), and was therefore a candidate for classification through an automated scoring system. Utilizing variant allele frequency, disease prevalence and penetrance estimates, and inheritance mode, an automated score was calculated to assess if this variant is too frequent to cause the disease. Based on the score and internal cut-off values, a variant classified as likely benign is not then subjected to further curation. The score for this variant resulted in a classification of likely benign for this disease.

Illumina Laboratory Services, Illumina
Classification: Uncertain significance for Autosomal recessive ataxia, Beauce type. Last evaluated: 2018-01-12. Review status: criteria provided, single submitter. Criteria: ICSL Variant Classification Criteria 13 December 2019. Collection method: clinical testing. Allele origin: germline.

NM_182961.4(SYNE1):c.8462T>C (p.Phe2821Ser)

Gene: SYNE1 (spectrin repeat containing nuclear envelope protein 1; minus strand). Cytogenetic location: 6q25.2.
Variant type: single nucleotide variant.
Coding change: c.8462T>C on transcript NM_182961.4 (MANE Select); coding-DNA position 8462, T replaced by C.
Protein change: p.Phe2821Ser; replaces phenylalanine 2821 with serine.
Molecular consequence: missense variant.
Genome position (GRCh38, 1-based): chr6:152,387,097, A>G on the plus strand (T>C on the coding strand, the complement: SYNE1 is on the minus strand). VCF-style: chr6-152387097-A-G. GRCh37 (hg19) VCF-style: chr6-152708232-A-G.
Other names: c.8483T>C, p.Phe2828Ser (NM_033071.5); short protein forms F2828S, F2821S.
Identifiers: ClinVar variation 904859 (VCV000904859.4), dbSNP rs202207690, ClinGen allele CA4057549.